The following is an entry in ClinVar:

NM_004519.4(KCNQ3):c.-318G>A

Gene: KCNQ3 (potassium voltage-gated channel subfamily Q member 3; minus strand). Cytogenetic location: 8q24.22.
Variant type: single nucleotide variant.
Coding change: c.-318G>A on transcript NM_004519.4 (MANE Select); 318 bases upstream of the start codon, G replaced by A.
Molecular consequence: 5 prime UTR variant.
Genome position (GRCh38, 1-based): chr8:132,480,850, C>T on the plus strand (G>A on the coding strand, the complement: KCNQ3 is on the minus strand). VCF-style: chr8-132480850-C-T. GRCh37 (hg19) VCF-style: chr8-133493097-C-T.
Identifiers: ClinVar variation 673531 (VCV000673531.2), dbSNP rs577534558, ClinGen allele CA186258367.

ClinVar aggregate classification (germline): Benign. Review status: criteria provided, multiple submitters, no conflicts (2 of 4 stars). 2 submissions from 2 submitters: Benign (2). Last evaluated 2018-06-14.

Allele frequency attached by ClinVar (database versions not stated): gnomAD exomes 0.00543; gnomAD 0.02458; TOPMed 0.02648; 1000 Genomes Project 0.02935; 1000 Genomes Project 30x 0.03123.
gnomAD v4.1: 3,707 of 156,868 alleles (2.4%); highest among the groups gnomAD compares: African/African-American, 7.2%; 122 homozygotes.

Submissions (2):

GeneDx
Classification: Benign. Last evaluated: 2018-06-14. Review status: criteria provided, single submitter. Criteria: GeneDx Variant Classification (06012015). Collection method: clinical testing. Allele origin: germline. Affected: yes.
Comment: This variant is considered likely benign or benign based on one or more of the following criteria: it is a conservative change, it occurs at a poorly conserved position in the protein, it is predicted to be benign by multiple in silico algorithms, and/or has population frequency not consistent with disease.

Breakthrough Genomics
Classification: Benign. Review status: criteria provided, single submitter. Criteria: ACMG Guidelines, 2015. Collection method: not provided. Allele origin: germline. Inheritance: Autosomal dominant inheritance. Affected: yes.